The following is an entry in ClinVar:

NM_030665.4(RAI1):c.4646C>A (p.Thr1549Asn)

Gene: RAI1 (retinoic acid induced 1; plus strand). Cytogenetic location: 17p11.2.
Variant type: single nucleotide variant.
Coding change: c.4646C>A on transcript NM_030665.4 (MANE Select); coding-DNA position 4646, C replaced by A.
Protein change: p.Thr1549Asn; replaces threonine 1549 with asparagine.
Molecular consequence: missense variant.
Genome position (GRCh38, 1-based): chr17:17,797,594, C>A. VCF-style: chr17-17797594-C-A. GRCh37 (hg19) VCF-style: chr17-17700908-C-A.
Other names: short protein forms T1549N.
Identifiers: ClinVar variation 3907929 (VCV003907929.2).

ClinVar aggregate classification (germline): Uncertain significance. Review status: criteria provided, multiple submitters, no conflicts (2 of 4 stars). 2 submissions from 2 submitters: Uncertain significance (2). Last evaluated 2024-12-26.

Conditions:
RAI1-related disorder. Also called: RAI1-related condition.

gnomAD v4.1: 1 of 1,614,066 alleles (0.000062%); no homozygotes.

Submissions (2):

GeneDx
Classification: Uncertain significance. Last evaluated: 2024-12-26. Review status: criteria provided, single submitter. Criteria: GeneDx Variant Classification Process June 2021. Collection method: clinical testing. Allele origin: germline. Affected: yes.
Comment: Not observed at significant frequency in large population cohorts (gnomAD); In silico analysis indicates that this missense variant does not alter protein structure/function; Has not been previously published as pathogenic or benign to our knowledge

PreventionGenetics, part of Exact Sciences
Classification: Uncertain significance for RAI1-related condition. Last evaluated: 2024-12-10. Review status: criteria provided, single submitter. Criteria: ACMG Guidelines, 2015. Collection method: clinical testing. Allele origin: germline.
Comment: The RAI1 c.4646C>A variant is predicted to result in the amino acid substitution p.Thr1549Asn. To our knowledge, this variant has not been reported in the literature or in a large population database (gnomAD), indicating this variant is rare. At this time, the clinical significance of this variant is uncertain due to the absence of conclusive functional and genetic evidence.